The following is an entry in ClinVar:

ClinVar aggregate classification (germline): Uncertain significance (1 of 4 stars; one submission).

Submission:

Labcorp Genetics (formerly Invitae), Labcorp
Classification: Uncertain significance. Last evaluated: 2022-07-05. Review status: criteria provided, single submitter. Criteria: Invitae Variant Classification Sherloc (09022015). Collection method: clinical testing. Allele origin: germline.
Comment: This variant has not been reported in the literature in individuals affected with MME-related conditions. This variant is not present in population databases (gnomAD no frequency). This sequence change replaces alanine, which is neutral and non-polar, with glycine, which is neutral and non-polar, at codon 75 of the MME protein (p.Ala75Gly). ClinVar contains an entry for this variant (Variation ID: 1479782). In summary, the available evidence is currently insufficient to determine the role of this variant in disease. Therefore, it has been classified as a Variant of Uncertain Significance. Algorithms developed to predict the effect of missense changes on protein structure and function output the following: SIFT: "Tolerated"; PolyPhen-2: "Benign"; Align-GVGD: "Class C0". The glycine amino acid residue is found in multiple mammalian species, which suggests that this missense change does not adversely affect protein function.

NM_007289.4(MME):c.224C>G (p.Ala75Gly)

Gene: MME (membrane metalloendopeptidase; plus strand). Cytogenetic location: 3q25.2.
Variant type: single nucleotide variant.
Coding change: c.224C>G on transcript NM_007289.4 (MANE Select); coding-DNA position 224, C replaced by G.
Protein change: p.Ala75Gly; replaces alanine 75 with glycine.
Molecular consequence: missense variant.
Genome position (GRCh38, 1-based): chr3:155,115,021, C>G. VCF-style: chr3-155115021-C-G. GRCh37 (hg19) VCF-style: chr3-154832810-C-G.
Other names: c.224C>G, p.Ala75Gly (NM_000902.5, NM_001354642.2, NM_001354643.1 and 2 more transcripts); short protein forms A75G.
Identifiers: ClinVar variation 1479782 (VCV001479782.8), dbSNP rs996780520, ClinGen allele CA355127417.